The following is an entry in ClinVar:

NM_001364171.2(ODAD1):c.1636G>A (p.Ala546Thr)

Gene: ODAD1 (outer dynein arm docking complex subunit 1; minus strand). Cytogenetic location: 19q13.33.
Variant type: single nucleotide variant.
Coding change: c.1636G>A on transcript NM_001364171.2 (MANE Select); coding-DNA position 1636, G replaced by A.
Protein change: p.Ala546Thr; replaces alanine 546 with threonine.
Molecular consequence: missense variant.
Genome position (GRCh38, 1-based): chr19:48,297,464, C>T on the plus strand (G>A on the coding strand, the complement: ODAD1 is on the minus strand). VCF-style: chr19-48297464-C-T. GRCh37 (hg19) VCF-style: chr19-48800721-C-T.
Other names: p.Ala509Thr; c.1525G>A, p.Ala509Thr (NM_144577.4); short protein forms A509T, A546T.
Identifiers: ClinVar variation 241873 (VCV000241873.26), dbSNP rs114111020, ClinGen allele CA9548602.

ClinVar aggregate classification (germline): Benign/Likely benign. Review status: criteria provided, multiple submitters, no conflicts (2 of 4 stars). 7 submissions from 7 submitters: Benign (5); Likely benign (2). Last evaluated 2026-02-01.

Conditions:
Primary ciliary dyskinesia. Also called: Ciliary dyskinesia. Identifiers: Orphanet 244, MedGen C0008780, MONDO:0016575, HP:0012265.
Primary ciliary dyskinesia 20. Also called: CILIARY DYSKINESIA, PRIMARY, 20, WITH OR WITHOUT SITUS INVERSUS. Identifiers: Orphanet 244, MedGen C3540844, MONDO:0014030, OMIM 615067.

Allele frequency attached by ClinVar (database versions not stated): gnomAD exomes 0.00237; ExAC 0.00307; gnomAD 0.00902 and 0.00957; TOPMed 0.01006; 1000 Genomes Project 0.01098; 1000 Genomes Project 30x 0.01109; ESP Exome Variant Server 0.01118.
gnomAD v4.1: 2,839 of 1,600,422 alleles (0.18%); highest among the groups gnomAD compares: African/African-American, 3.3%; 44 homozygotes.

Submissions (7):

Labcorp Genetics (formerly Invitae), Labcorp
Classification: Benign for Primary ciliary dyskinesia. Last evaluated: 2026-02-01. Review status: criteria provided, single submitter. Criteria: Invitae Variant Classification Sherloc (09022015). Collection method: clinical testing. Allele origin: germline.

Mayo Clinic Laboratories, Mayo Clinic
Classification: Benign. Last evaluated: 2024-08-07. Review status: criteria provided, single submitter. Criteria: ACMG Guidelines, 2015. Collection method: clinical testing. Allele origin: germline. Observed: 2 variant alleles.
Comment: BA1, BS2, BP4

ARUP Laboratories, Molecular Genetics and Genomics, ARUP Laboratories
Classification: Benign for Primary ciliary dyskinesia 20. Last evaluated: 2022-08-16. Review status: criteria provided, single submitter. Criteria: ARUP Molecular Germline Variant Investigation Process 2021. Collection method: clinical testing. Allele origin: germline.

GeneDx
Classification: Likely benign. Last evaluated: 2022-06-01. Review status: criteria provided, single submitter. Criteria: GeneDx Variant Classification Process June 2021. Collection method: clinical testing. Allele origin: germline. Affected: yes.
Comment: See Variant Classification Assertion Criteria.

Ambry Genetics
Classification: Benign for Primary ciliary dyskinesia. Last evaluated: 2016-10-14. Review status: criteria provided, single submitter. Criteria: Ambry Variant Classification Scheme 2023. Collection method: clinical testing. Allele origin: germline.

Breakthrough Genomics
Classification: Likely benign. Review status: criteria provided, single submitter. Criteria: ACMG Guidelines, 2015. Collection method: not provided. Allele origin: germline. Inheritance: Autosomal recessive inheritance. Affected: yes.

PreventionGenetics, part of Exact Sciences
Classification: Benign. Review status: criteria provided, single submitter. Criteria: ACMG Guidelines, 2015. Collection method: clinical testing. Allele origin: germline.